The following is an entry in ClinVar:

NM_001379081.2(FREM1):c.3593A>C (p.Asp1198Ala)

Gene: FREM1 (FRAS1 related extracellular matrix 1; minus strand). Cytogenetic location: 9p22.3.
Variant type: single nucleotide variant.
Coding change: c.3593A>C on transcript NM_001379081.2 (MANE Select); coding-DNA position 3593, A replaced by C.
Protein change: p.Asp1198Ala; replaces aspartic acid 1198 with alanine.
Molecular consequence: missense variant. On other transcripts: non-coding transcript variant (2).
Genome position (GRCh38, 1-based): chr9:14,801,753, T>G on the plus strand (A>C on the coding strand, the complement: FREM1 is on the minus strand). VCF-style: chr9-14801753-T-G. GRCh37 (hg19) VCF-style: chr9-14801751-T-G.
Other names: c.3593A>C, p.Asp1198Ala (NM_144966.7); short protein forms D1198A.
Identifiers: ClinVar variation 1908568 (VCV001908568.5), dbSNP rs113023231, ClinGen allele CA189371650.

ClinVar aggregate classification (germline): Uncertain significance (1 of 4 stars; one submission).

gnomAD v4.1: 17 of 1,613,772 alleles (0.0011%); highest among the groups gnomAD compares: African/African-American, 0.0053%; no homozygotes.

Submission:

Labcorp Genetics (formerly Invitae), Labcorp
Classification: Uncertain significance. Last evaluated: 2025-08-11. Review status: criteria provided, single submitter. Criteria: Invitae Variant Classification Sherloc (09022015). Collection method: clinical testing. Allele origin: germline.
Comment: This sequence change replaces aspartic acid, which is acidic and polar, with alanine, which is neutral and non-polar, at codon 1198 of the FREM1 protein (p.Asp1198Ala). This variant is present in population databases (rs113023231, gnomAD 0.007%). This variant has not been reported in the literature in individuals affected with FREM1-related conditions. ClinVar contains an entry for this variant (Variation ID: 1908568). Invitae Evidence Modeling of protein sequence and biophysical properties (such as structural, functional, and spatial information, amino acid conservation, physicochemical variation, residue mobility, and thermodynamic stability) has been performed for this missense variant. However, the output from this modeling did not meet the statistical confidence thresholds required to predict the impact of this variant on FREM1 protein function. In summary, the available evidence is currently insufficient to determine the role of this variant in disease. Therefore, it has been classified as a Variant of Uncertain Significance.